The following is an entry in ClinVar:

ClinVar aggregate classification (germline): Uncertain significance (1 of 4 stars; one submission).

Conditions:
Hereditary cancer-predisposing syndrome. Also called: Hereditary Cancer Syndrome; Hereditary neoplastic syndrome; Neoplastic Syndromes, Hereditary; Tumor predisposition. Identifiers: Orphanet 140162, MedGen C0027672, MeSH D009386, MONDO:0015356.

Submission:

Ambry Genetics
Classification: Uncertain significance for Hereditary cancer-predisposing syndrome. Last evaluated: 2021-05-19. Review status: criteria provided, single submitter. Criteria: Ambry Variant Classification Scheme 2023. Collection method: clinical testing. Allele origin: germline.
Comment: The p.G1396R variant (also known as c.4186G>C), located in coding exon 23 of the PTCH1 gene, results from a G to C substitution at nucleotide position 4186. The glycine at codon 1396 is replaced by arginine, an amino acid with dissimilar properties. This amino acid position is highly conserved in available vertebrate species. In addition, the in silico prediction for this alteration is inconclusive. Since supporting evidence is limited at this time, the clinical significance of this alteration remains unclear.

NM_000264.5(PTCH1):c.4186G>C (p.Gly1396Arg)

Gene: PTCH1 (patched 1; minus strand). Cytogenetic location: 9q22.32.
Variant type: single nucleotide variant.
Coding change: c.4186G>C on transcript NM_000264.5 (MANE Select); coding-DNA position 4186, G replaced by C.
Protein change: p.Gly1396Arg; replaces glycine 1396 with arginine.
Molecular consequence: missense variant. On other transcripts: non-coding transcript variant (1).
Genome position (GRCh38, 1-based): chr9:95,447,070, C>G on the plus strand (G>C on the coding strand, the complement: PTCH1 is on the minus strand). VCF-style: chr9-95447070-C-G. GRCh37 (hg19) VCF-style: chr9-98209352-C-G.
Other names: c.3988G>C, p.Gly1330Arg (NM_001083602.3); c.4183G>C, p.Gly1395Arg (NM_001083603.3); c.3733G>C, p.Gly1245Arg (NM_001083604.3, NM_001083605.3, NM_001083606.3 and 1 more transcripts); c.4030G>C, p.Gly1344Arg (NM_001354918.2); short protein forms G1344R, G1395R, G1396R, G1245R, G1330R.
Identifiers: ClinVar variation 1738532 (VCV001738532.2), dbSNP rs1060502276, ClinGen allele CA374110162.
Genomic context (GRCh38, chr9:95,447,070, plus strand): 5'-AAGGCACGTGGGGGTCCTCAAACAGGCCGTGGTCAGTCTCAGGGTAGCCTGGGCAGAGTC[C>G]CCCTCGGGGGTTCCGCCCAGGCCCAGGGACAGGCGGCGGGTGCACGGCGACAGTCACGGA-3'
Protein context (NP_000255.2, residues 1386-1406): VPGPGRNPRG[Gly1396Arg]LCPGYPETDH